The following is an entry in ClinVar:

NM_001124758.3(SPNS2):c.930T>C (p.Ile310=)

Gene: SPNS2 (SPNS lysolipid transporter 2, sphingosine-1-phosphate; plus strand). Cytogenetic location: 17p13.2.
Variant type: single nucleotide variant.
Coding change: c.930T>C on transcript NM_001124758.3 (MANE Select); coding-DNA position 930, T replaced by C.
Protein change: p.Ile310=; no amino-acid change (isoleucine 310 retained).
Molecular consequence: synonymous variant.
Genome position (GRCh38, 1-based): chr17:4,532,679, T>C. VCF-style: chr17-4532679-T-C. GRCh37 (hg19) VCF-style: chr17-4435974-T-C.
Identifiers: ClinVar variation 2647257 (VCV002647257.24), dbSNP rs1266336183, ClinGen allele CA497665567.
Genomic context (GRCh38, chr17:4,532,679, plus strand): 5'-CCAGCTCGGGGACCAGCTCAAGGCCCGGACCTCATGGCTCCGAGATATGAAGGCCCTGAT[T>C]CGAAAGTGAGTACCGCGGGAAGGGGTCTGGTGGGAAGAGAGAGGGGTGCTGAGATGAGAG-3'
Protein context (NP_001118230.1, residues 300-320): TSWLRDMKAL[Ile310=]RNRSYVFSSL

ClinVar aggregate classification (germline): Likely benign (1 of 4 stars; one submission).

Allele frequency attached by ClinVar (database versions not stated): gnomAD exomes 0.00001; gnomAD 0.00002; TOPMed 0.00002.
gnomAD v4.1: 21 of 1,613,428 alleles (0.0013%); highest among the groups gnomAD compares: Admixed American, 0.0017%; no homozygotes.

Submission:

CeGaT Center for Human Genetics Tuebingen
Classification: Likely benign. Last evaluated: 2023-02-01. Review status: criteria provided, single submitter. Criteria: CeGaT Center For Human Genetics Tuebingen Variant Classification Criteria Version 2. Collection method: clinical testing. Allele origin: germline. Affected: yes. Observed: 1 variant allele.
Comment: SPNS2: BP4, BP7